The following is an entry in ClinVar:

ClinVar aggregate classification (germline): Likely pathogenic. Review status: criteria provided, multiple submitters, no conflicts (2 of 4 stars). 2 submissions from 2 submitters: Likely pathogenic (2). Last evaluated 2025-02-11.

Conditions:
Hermansky-Pudlak syndrome (HPS). Also called: ALBINISM WITH HEMORRHAGIC DIATHESIS AND PIGMENTED RETICULOENDOTHELIAL CELLS. Identifiers: Orphanet 79430, MedGen C0079504, MONDO:0019312.
Hermansky-Pudlak syndrome 3 (HPS3). Identifiers: Orphanet 231512, Orphanet 79430, MedGen C3888001, MONDO:0013555, OMIM 614072.

Submissions (2):

Natera, Inc.
Classification: Likely pathogenic for Hermansky-Pudlak syndrome. Last evaluated: 2025-02-11. Review status: criteria provided, single submitter. Criteria: Natera Variant Classification Schema (03/2026). Collection method: clinical testing. Allele origin: germline.
Comment: The c.1107_1119delTCCTGAAAAGTCTinsC variant in HPS3 is an in-frame deletion. This variant is rare in the general population with a frequency below the threshold expected for the associated phenotype(s). This variant has been observed in one or more individuals affected with the associated recessive disease, as either homozygous or compound heterozygous with a second variant (PMID: 31898847). This variant results in a change to the protein length while preserving reading frame, which may disrupt normal protein structure or function. Given the available evidence, this variant is classified as Likely Pathogenic.

Fulgent Genetics
Classification: Likely pathogenic for Hermansky-Pudlak syndrome 3. Last evaluated: 2024-06-22. Review status: criteria provided, single submitter. Criteria: ACMG Guidelines, 2015. Collection method: clinical testing. Allele origin: germline.

Literature cited by the submitters: PubMed 31898847 (cited by Natera, Inc.).

NM_032383.5(HPS3):c.1107_1119delinsC (p.Pro370_Ser373del)

Gene: HPS3 (HPS3 biogenesis of lysosomal organelles complex 2 subunit 1; plus strand). Cytogenetic location: 3q24.
Variant type: Indel.
Coding change: c.1107_1119delinsC on transcript NM_032383.5 (MANE Select); coding-DNA positions 1107 to 1119, TCCTGAAAAGTCT replaced by C.
Protein change: p.Pro370_Ser373del.
Genome position (GRCh38, 1-based): chr3:149,145,490-149,145,502, TCCTGAAAAGTCT replaced by C. VCF-style: chr3-149145490-TCCTGAAAAGTCT-C. GRCh37 (hg19) VCF-style: chr3-148863277-TCCTGAAAAGTCT-C.
Other names: c.1107_1119delTCCTGAAAAGTCTinsC (NM_032383.4); c.612_624delinsC, p.Pro205_Ser208del (NM_001308258.2).
Identifiers: ClinVar variation 3588682 (VCV003588682.2).